The following is an entry in ClinVar:

ClinVar aggregate classification (germline): Benign/Likely benign. Review status: criteria provided, multiple submitters, no conflicts (2 of 4 stars). 3 submissions from 3 submitters: Benign (1); Likely benign (2). Last evaluated 2024-07-08.

Conditions:
Hereditary cancer-predisposing syndrome. Also called: Neoplastic Syndromes, Hereditary; Hereditary neoplastic syndrome; Hereditary Cancer Syndrome; Tumor predisposition. Identifiers: Orphanet 140162, MedGen C0027672, MeSH D009386, MONDO:0015356.
Oligodontia-cancer predisposition syndrome. Also called: TOOTH AGENESIS-COLORECTAL CANCER SYNDROME. Identifiers: Orphanet 300576, MedGen C1837750, MONDO:0012075, OMIM 608615. Disease mechanism: loss of function.

Allele frequency attached by ClinVar (database versions not stated): gnomAD exomes below 0.00001 and 0.00001.

Submissions (3):

Myriad Genetics, Inc.
Classification: Benign for Oligodontia-cancer predisposition syndrome. Last evaluated: 2024-07-08. Review status: criteria provided, single submitter. Criteria: Myriad Autosomal Dominant, Autosomal Recessive and X-Linked Classification Criteria (2023). Collection method: clinical testing. Allele origin: unknown.
Comment: This variant is considered benign. This variant is a silent/synonymous amino acid change and it is not expected to impact splicing.

Labcorp Genetics (formerly Invitae), Labcorp
Classification: Likely benign for Oligodontia-cancer predisposition syndrome. Last evaluated: 2022-10-20. Review status: criteria provided, single submitter. Criteria: Invitae Variant Classification Sherloc (09022015). Collection method: clinical testing. Allele origin: germline.

Ambry Genetics
Classification: Likely benign for Hereditary cancer-predisposing syndrome. Last evaluated: 2020-10-15. Review status: criteria provided, single submitter. Criteria: Ambry Variant Classification Scheme 2023. Collection method: clinical testing. Allele origin: germline.

NM_004655.4(AXIN2):c.1773C>A (p.Ala591=)

Gene: AXIN2 (axin 2; minus strand). Cytogenetic location: 17q24.1.
Variant type: single nucleotide variant.
Coding change: c.1773C>A on transcript NM_004655.4 (MANE Select); coding-DNA position 1773, C replaced by A.
Protein change: p.Ala591=; no amino-acid change (alanine 591 retained).
Molecular consequence: synonymous variant. On other transcripts: intron variant (1).
Genome position (GRCh38, 1-based): chr17:65,537,003, G>T on the plus strand (C>A on the coding strand, the complement: AXIN2 is on the minus strand). VCF-style: chr17-65537003-G-T. GRCh37 (hg19) VCF-style: chr17-63533121-G-T.
Other names: c.1712+321C>A (NM_001363813.1).
Identifiers: ClinVar variation 1626786 (VCV001626786.11), dbSNP rs1413003297, ClinGen allele CA501691134.